The following is an entry in ClinVar:

ClinVar aggregate classification (germline): Likely benign. Review status: criteria provided, multiple submitters, no conflicts (2 of 4 stars). 2 submissions from 2 submitters: Likely benign (2). Last evaluated 2026-09-01.

Conditions:
Inborn genetic diseases. Identifiers: MedGen C0950123, MeSH D030342.

Allele frequency attached by ClinVar (database versions not stated): gnomAD exomes 0.00028; ExAC 0.00096; 1000 Genomes Project 0.00319; 1000 Genomes Project 30x 0.00344; ESP Exome Variant Server 0.00361; gnomAD 0.00362; TOPMed 0.00392.
gnomAD v4.1: 1,005 of 1,613,880 alleles (0.062%); highest among the groups gnomAD compares: African/African-American, 1.1%; 7 homozygotes.

Submissions (2):

CeGaT Center for Human Genetics Tuebingen
Classification: Likely benign. Last evaluated: 2026-09-01. Review status: criteria provided, single submitter. Criteria: CeGaT Center For Human Genetics Tuebingen Variant Classification Criteria Version 2. Collection method: clinical testing. Allele origin: germline. Affected: yes. Observed: 2 variant alleles.
Comment: FMN2: BS1

Ambry Genetics
Classification: Likely benign for Inborn genetic diseases. Last evaluated: 2022-09-15. Review status: criteria provided, single submitter. Criteria: Ambry Variant Classification Scheme 2023. Collection method: clinical testing. Allele origin: germline.

NM_020066.5(FMN2):c.3794C>T (p.Pro1265Leu)

Gene: FMN2 (formin 2; plus strand). Cytogenetic location: 1q43.
Variant type: single nucleotide variant.
Coding change: c.3794C>T on transcript NM_020066.5 (MANE Select); coding-DNA position 3794, C replaced by T.
Protein change: p.Pro1265Leu; replaces proline 1265 with leucine.
Molecular consequence: missense variant. On other transcripts: intron variant (1).
Genome position (GRCh38, 1-based): chr1:240,208,606, C>T. VCF-style: chr1-240208606-C-T. GRCh37 (hg19) VCF-style: chr1-240371906-C-T.
Other names: c.3806C>T, p.Pro1269Leu (NM_001305424.2); c.1986+20344C>T (NM_001348094.2); short protein forms P1269L, P1265L.
Identifiers: ClinVar variation 2212070 (VCV002212070.26), dbSNP rs147210965, ClinGen allele CA1477291.